The following is an entry in ClinVar:

NM_000451.4(SHOX):c.506G>A (p.Arg169Lys)

Gene: SHOX (SHOX homeobox; plus strand). Cytogenetic location: Xp22.33.
Variant type: single nucleotide variant.
Coding change: c.506G>A on transcript NM_000451.4 (MANE Select); coding-DNA position 506, G replaced by A.
Protein change: p.Arg169Lys; replaces arginine 169 with lysine.
Molecular consequence: missense variant.
Genome position (GRCh38, 1-based): chrX:640,840, G>A. VCF-style: chrX-640840-G-A. GRCh37 (hg19) VCF-style: chrX-601575-G-A.
Other names: c.506G>A, p.Arg169Lys (NM_006883.2); short protein forms R169K.
Identifiers: ClinVar variation 929168 (VCV000929168.2), dbSNP rs2052840553, ClinGen allele CA412231654.
Genomic context (GRCh38, chrX:640,840, plus strand): 5'-GTTCACAGGGCTCTTCACATCTCTCTCTGCTTCTCCCCAAGGTTTGGTTCCAGAACCGGA[G>A]AGCCAAGTGCCGCAAACAAGAGAATCAGATGCATAAAGGTGGGTGTCGGGACTGGGGGGA-3'
Protein context (NP_000442.1, residues 159-179): ARVQVWFQNR[Arg169Lys]AKCRKQENQM

ClinVar aggregate classification (germline): Conflicting classifications of pathogenicity. Review status: criteria provided, conflicting classifications (1 of 4 stars). 2 submissions from 2 submitters: Likely pathogenic (1); Uncertain significance (1). Last evaluated 2025-02-11.

Conditions:
Leri-Weill dyschondrosteosis (LWD). Also called: Léri-Weill dyschondrosteosis; DYSCHONDROSTEOSIS; Leri-Weill Dyschondrosteosis (LWD). Identifiers: Orphanet 240, MedGen C0265309, MONDO:0007481, OMIM 127300.

Submissions (2):

MVZ Martinsried, Medicover Genetics
Classification: Likely pathogenic for Leri-Weill dyschondrosteosis. Last evaluated: 2025-02-11. Review status: criteria provided, single submitter. Criteria: ACGS Guidelines, 2020. Collection method: clinical testing. Allele origin: unknown. Affected: yes. Observed: 1 heterozygote.

Women's Health and Genetics/Laboratory Corporation of America, LabCorp
Classification: Uncertain significance. Last evaluated: 2019-03-01. Review status: criteria provided, single submitter. Criteria: LabCorp Variant Classification Summary - May 2015. Collection method: clinical testing. Allele origin: germline.
Comment: Variant summary: SHOX c.506G>A (p.Arg169Lys) results in a conservative amino acid change located in the Homeobox domain (IPR001356) of the encoded protein sequence, and this variant resides in the highly conserved recognition helix that contacts the DNA by running across the major groove (PMID: 15931687). Three of five in-silico tools predict a damaging effect of the variant on protein function. The variant was absent in 245964 control chromosomes (gnomAD). c.506G>A has been reported in the literature in a heterozygous individual affected with Leri Weill dyschondrosteosis (Bunyan 2013). To our knowledge, no experimental evidence demonstrating an impact on protein function has been reported. However, an in vitro functional study demonstrated that variants affecting neighboring amino acid residues (p.R168W and p.A170P) resulted in loss of dimerization and the ability to bind to the DNA (PMID: 15931687). Furthermore, variants affecting nearby residues (p.N167D, p.R168L, p.R168W, p.A170D, p.A170P) are listed as disease associated variants in HGMD, suggesting that this region is essential for protein function. No clinical diagnostic laboratories have submitted clinical-significance assessments for this variant to ClinVar after 2014. Based on the evidence outlined above, the variant was classified as VUS-possibly pathogenic.

Literature cited by the submitters: PubMed 23636926 (cited by Women's Health and Genetics/Laboratory Corporation of America, LabCorp).